The following is an entry in ClinVar:

ClinVar aggregate classification (germline): Uncertain significance (1 of 4 stars; one submission).

gnomAD v4.1: 1 of 1,595,790 alleles (0.000063%); highest among the groups gnomAD compares: South Asian, 0.0011%; no homozygotes.

Submission:

Labcorp Genetics (formerly Invitae), Labcorp
Classification: Uncertain significance. Last evaluated: 2024-09-26. Review status: criteria provided, single submitter. Criteria: Invitae Variant Classification Sherloc (09022015). Collection method: clinical testing. Allele origin: germline.
Comment: This sequence change replaces leucine, which is neutral and non-polar, with phenylalanine, which is neutral and non-polar, at codon 509 of the JAK2 protein (p.Leu509Phe). This variant is not present in population databases (gnomAD no frequency). This variant has not been reported in the literature in individuals affected with JAK2-related conditions. Invitae Evidence Modeling of protein sequence and biophysical properties (such as structural, functional, and spatial information, amino acid conservation, physicochemical variation, residue mobility, and thermodynamic stability) indicates that this missense variant is expected to disrupt JAK2 protein function with a positive predictive value of 80%. In summary, the available evidence is currently insufficient to determine the role of this variant in disease. Therefore, it has been classified as a Variant of Uncertain Significance.

NM_004972.4(JAK2):c.1525C>T (p.Leu509Phe)

Genes: INSL6 (insulin like 6; minus strand), JAK2 (Janus kinase 2; plus strand). Cytogenetic location: 9p24.1.
Variant type: single nucleotide variant.
Coding change: c.1525C>T on transcript NM_004972.4 (MANE Select); coding-DNA position 1525, C replaced by T.
Protein change: p.Leu509Phe; replaces leucine 509 with phenylalanine.
Molecular consequence: missense variant. On other transcripts: non-coding transcript variant (2).
Genome position (GRCh38, 1-based): chr9:5,069,936, C>T. VCF-style: chr9-5069936-C-T. GRCh37 (hg19) VCF-style: chr9-5069936-C-T.
Other names: c.1525C>T, p.Leu509Phe (NM_001322194.2, NM_001322195.2, NM_001322196.2); c.310C>T, p.Leu104Phe (NM_001322198.2, NM_001322199.2); c.1078C>T, p.Leu360Phe (NM_001322204.2); short protein forms L104F, L360F, L509F.
Identifiers: ClinVar variation 3665105 (VCV003665105.2).